The following is an entry in ClinVar:

NM_001261826.3(AP3D1):c.211G>A (p.Asp71Asn)

Gene: AP3D1 (adaptor related protein complex 3 subunit delta 1; minus strand). Cytogenetic location: 19p13.3.
Variant type: single nucleotide variant.
Coding change: c.211G>A on transcript NM_001261826.3 (MANE Select); coding-DNA position 211, G replaced by A.
Protein change: p.Asp71Asn; replaces aspartic acid 71 with asparagine.
Molecular consequence: missense variant.
Genome position (GRCh38, 1-based): chr19:2,137,789, C>T on the plus strand (G>A on the coding strand, the complement: AP3D1 is on the minus strand). VCF-style: chr19-2137789-C-T. GRCh37 (hg19) VCF-style: chr19-2137788-C-T.
Other names: c.211G>A, p.Asp71Asn (NM_001374799.1, NM_003938.8); c.211G>A (NM_003938.5); short protein forms D71N.
Identifiers: ClinVar variation 1492670 (VCV001492670.9), dbSNP rs989616684, ClinGen allele CA304176787.

ClinVar aggregate classification (germline): Uncertain significance. Review status: criteria provided, multiple submitters, no conflicts (2 of 4 stars). 2 submissions from 2 submitters: Uncertain significance (2). Last evaluated 2025-11-03.

Conditions:
Inborn genetic diseases. Identifiers: MedGen C0950123, MeSH D030342.

Allele frequency attached by ClinVar (database versions not stated): gnomAD exomes 0.00001; gnomAD 0.00002; TOPMed 0.00003.
gnomAD v4.1: 17 of 1,613,814 alleles (0.0011%); highest among the groups gnomAD compares: Admixed American, 0.005%; no homozygotes.

Submissions (2):

Labcorp Genetics (formerly Invitae), Labcorp
Classification: Uncertain significance. Last evaluated: 2025-11-03. Review status: criteria provided, single submitter. Criteria: Invitae Variant Classification Sherloc (09022015). Collection method: clinical testing. Allele origin: germline.
Comment: This sequence change replaces aspartic acid, which is acidic and polar, with asparagine, which is neutral and polar, at codon 71 of the AP3D1 protein (p.Asp71Asn). This variant is present in population databases (no rsID available, gnomAD 0.004%). This variant has not been reported in the literature in individuals affected with AP3D1-related conditions. ClinVar contains an entry for this variant (Variation ID: 1492670). An algorithm developed to predict the effect of missense changes on protein structure and function (PolyPhen-2) suggests that this variant is likely to be disruptive. In summary, the available evidence is currently insufficient to determine the role of this variant in disease. Therefore, it has been classified as a Variant of Uncertain Significance.

Ambry Genetics
Classification: Uncertain significance for Inborn genetic diseases. Last evaluated: 2024-09-08. Review status: criteria provided, single submitter. Criteria: Ambry Variant Classification Scheme 2023. Collection method: clinical testing. Allele origin: germline.